The following is an entry in ClinVar:

NM_001797.4(CDH11):c.1177C>T (p.Gln393Ter)

Gene: CDH11 (cadherin 11; minus strand). Cytogenetic location: 16q21.
Variant type: single nucleotide variant.
Coding change: c.1177C>T on transcript NM_001797.4 (MANE Select); coding-DNA position 1177, C replaced by T.
Protein change: p.Gln393Ter; replaces glutamine 393 with a stop codon.
Molecular consequence: nonsense.
Genome position (GRCh38, 1-based): chr16:64,982,124, G>A on the plus strand (C>T on the coding strand, the complement: CDH11 is on the minus strand). VCF-style: chr16-64982124-G-A. GRCh37 (hg19) VCF-style: chr16-65016027-G-A.
Other names: c.1177C>T, p.Gln393Ter (NM_001308392.2); c.799C>T, p.Gln267Ter (NM_001330576.2); short protein forms Q267*, Q393*.
Identifiers: ClinVar variation 3066143 (VCV003066143.1), dbSNP rs2142459028, ClinGen allele CA396521689.

ClinVar aggregate classification (germline): Uncertain significance (1 of 4 stars; one submission).

Conditions:
Elsahy-Waters syndrome. Also called: BSG SYNDROME; Hypospadias, hypertelorism, upper lid coloboma, and mixed-type hearing loss. Identifiers: Orphanet 1299, Orphanet 157788, MedGen C0809936, MONDO:0008885, OMIM 211380.

Submission:

MVZ Medizinische Genetik Mainz
Classification: Uncertain significance for Elsahy-Waters syndrome. Last evaluated: 2023-06-20. Review status: criteria provided, single submitter. Criteria: UK Practice Guidelines For Variant Classification V4 01 2020. Collection method: clinical testing. Allele origin: germline. Inheritance: Autosomal recessive inheritance. Affected: yes. Observed: 1 variant allele.
Comment: ACMG Criteria: PVS1_MOD,PM2_SUP,PM3_SUP